The following is an entry in ClinVar:

NC_012920.1(MT-ND6):m.14498T>C

Gene: MT-ND6 (mitochondrially encoded NADH dehydrogenase 6; minus strand).
Variant type: single nucleotide variant.
Genome position: chrM-14498-T-C.
Identifiers: ClinVar variation 65514 (VCV000065514.4), dbSNP rs869025186, ClinGen allele CA356574.

ClinVar aggregate classification (germline): Uncertain significance. Review status: criteria provided, single submitter (1 of 4 stars). 2 submissions from 2 submitters: Uncertain significance (1). 1 of the submissions does not count toward it. Last evaluated 2019-10-17.

Conditions:
Leber optic atrophy (LHON). Also called: Leber's disease; Leber's optic atrophy; Leber hereditary optic neuropathy; Optic Atrophy, Hereditary, Leber. Identifiers: Orphanet 104, MedGen C0917796, MONDO:0010788, OMIM 535000, HP:0001112.
Leigh syndrome (NULS). Also called: LEIGH SYNDROME, NUCLEAR; Leigh's syndrome; Subacute necrotizing encephalopathy; Necrotizing encephalopathy infantile subacute of Leigh; Leigh Disease; Leigh Syndrome (mtDNA deletion). Identifiers: Orphanet 506, MedGen C2931891, MONDO:0009723, OMIM 256000.

Submissions (2):

Wong Mito Lab, Molecular and Human Genetics, Baylor College of Medicine
Classification: Uncertain significance for Leigh syndrome. Last evaluated: 2019-10-17. Review status: criteria provided, single submitter. Criteria: Modified ACMG Guidelines (Unpublished). Collection method: clinical testing. Allele origin: germline.
Comment: The NC_012920.1:m.14498T>C (YP_003024037.1:p.Tyr59Cys) variant in MTND6 gene is interpretated to be a Uncertain Significance variant based on the modified ACMG guidelines (unpublished). This variant meets the following evidence codes: BP4, PP6

GeneReviews
No classification provided. Condition: Leber optic atrophy. Review status: no classification provided. Collection method: literature only. Allele origin: maternal. Not counted in ClinVar's aggregate classification.

Literature cited by the submitters: PubMed 9177303 (cited by Wong Mito Lab, Molecular and Human Genetics, Baylor College of Medicine); PubMed 8854108 (cited by Wong Mito Lab, Molecular and Human Genetics, Baylor College of Medicine); PubMed 30143805 (cited by GeneReviews); PubMed 20301353 (cited by GeneReviews).